The following is an entry in ClinVar:

ClinVar aggregate classification (germline): Likely benign. Review status: criteria provided, multiple submitters, no conflicts (2 of 4 stars). 2 submissions from 2 submitters: Likely benign (2). Last evaluated 2023-06-20.

Submissions (2):

Labcorp Genetics (formerly Invitae), Labcorp
Classification: Likely benign. Last evaluated: 2023-06-20. Review status: criteria provided, single submitter. Criteria: Invitae Variant Classification Sherloc (09022015). Collection method: clinical testing. Allele origin: germline.

GeneDx
Classification: Likely benign. Last evaluated: 2018-03-23. Review status: criteria provided, single submitter. Criteria: GeneDx Variant Classification (06012015). Collection method: clinical testing. Allele origin: germline. Affected: yes.
Comment: This variant is considered likely benign or benign based on one or more of the following criteria: it is a conservative change, it occurs at a poorly conserved position in the protein, it is predicted to be benign by multiple in silico algorithms, and/or has population frequency not consistent with disease.

NM_194248.3(OTOF):c.633G>C (p.Arg211=)

Gene: OTOF (otoferlin; minus strand). Cytogenetic location: 2p23.3.
Variant type: single nucleotide variant.
Coding change: c.633G>C on transcript NM_194248.3 (MANE Select); coding-DNA position 633, G replaced by C.
Protein change: p.Arg211=; no amino-acid change (arginine 211 retained).
Molecular consequence: synonymous variant.
Genome position (GRCh38, 1-based): chr2:26,502,377, C>G on the plus strand (G>C on the coding strand, the complement: OTOF is on the minus strand). VCF-style: chr2-26502377-C-G. GRCh37 (hg19) VCF-style: chr2-26725245-C-G.
Other names: c.633G>C, p.Arg211= (NM_001287489.2).
Identifiers: ClinVar variation 680869 (VCV000680869.4), dbSNP rs1572456253, ClinGen allele CA425208991.